The following is an entry in ClinVar:

NM_032043.3(BRIP1):c.312T>G (p.Thr104=)

Gene: BRIP1 (BRCA1 interacting DNA helicase 1; minus strand). Cytogenetic location: 17q23.2.
Variant type: single nucleotide variant.
Coding change: c.312T>G on transcript NM_032043.3 (MANE Select); coding-DNA position 312, T replaced by G.
Protein change: p.Thr104=; no amino-acid change (threonine 104 retained).
Molecular consequence: synonymous variant.
Genome position (GRCh38, 1-based): chr17:61,857,125, A>C on the plus strand (T>G on the coding strand, the complement: BRIP1 is on the minus strand). VCF-style: chr17-61857125-A-C. GRCh37 (hg19) VCF-style: chr17-59934486-A-C.
Identifiers: ClinVar variation 183988 (VCV000183988.31), dbSNP rs769190318, ClinGen allele CA187405.
Genomic context (GRCh38, chr17:61,857,125, plus strand): 5'-AGTTGATGAAGTGCCATTTCTTTCAGAAGGTGGTGTGCTTGGATAGTTGAAATGACGTGA[A>C]GTTCCTTGGTTCATGTCATTGTTTGTAAAATCCTTTGAATGGCATGCACAACAACATGAC-3'
Protein context (NP_114432.2, residues 94-114): DFTNNDMNQG[Thr104=]SRHFNYPSTP

ClinVar aggregate classification (germline): Benign/Likely benign. Review status: criteria provided, multiple submitters, no conflicts (2 of 4 stars). 11 submissions from 10 submitters: Benign (1); Likely benign (8). 2 of the submissions do not count toward it. Last evaluated 2026-01-19.

Conditions:
Fanconi anemia complementation group J. Also called: BRIP1-Related Fanconi Anemia. Identifiers: Orphanet 84, MedGen C1836860, MONDO:0012187, OMIM 609054.
Hereditary cancer-predisposing syndrome. Also called: Tumor predisposition; Hereditary Cancer Syndrome; Hereditary neoplastic syndrome; Neoplastic Syndromes, Hereditary. Identifiers: Orphanet 140162, MedGen C0027672, MeSH D009386, MONDO:0015356.
Ovarian cancer. Also called: OVARIAN CANCER, SOMATIC. Identifiers: Orphanet 213500, MedGen C1140680, MONDO:0008170, OMIM 167000.
Familial cancer of breast. Also called: BREAST CANCER, FAMILIAL; hereditary breast carcinoma; Hereditary breast cancer. Identifiers: Orphanet 227535, MedGen C0346153, MONDO:0016419, OMIM 114480. Disease mechanism: loss of function.

Allele frequency attached by ClinVar (database versions not stated): ExAC 0.00002; gnomAD exomes 0.00002 and 0.00004; gnomAD 0.00003; TOPMed 0.00003.
gnomAD v4.1: 56 of 1,614,042 alleles (0.0035%); highest among the groups gnomAD compares: Non-Finnish European, 0.0047%; no homozygotes.

Submissions (11):

Labcorp Genetics (formerly Invitae), Labcorp
Classification: Likely benign for Familial cancer of breast; Fanconi anemia complementation group J. Last evaluated: 2026-01-19. Review status: criteria provided, single submitter. Criteria: Invitae Variant Classification Sherloc (09022015). Collection method: clinical testing. Allele origin: germline.

Center for Genomic Medicine, Rigshospitalet, Copenhagen University Hospital
Classification: Likely benign. Last evaluated: 2025-03-04. Review status: criteria provided, single submitter. Criteria: ACMG Guidelines, 2015. Collection method: clinical testing. Allele origin: germline.

Myriad Genetics, Inc.
Classification: Benign for Familial cancer of breast. Last evaluated: 2023-02-28. Review status: criteria provided, single submitter. Criteria: Myriad Autosomal Dominant, Autosomal Recessive and X-Linked Classification Criteria (2023). Collection method: clinical testing. Allele origin: unknown.
Comment: This variant is considered benign. This variant is a silent/synonymous amino acid change and it is not expected to impact splicing.

Quest Diagnostics Nichols Institute San Juan Capistrano
Classification: Likely benign. Last evaluated: 2021-05-18. Review status: criteria provided, single submitter. Criteria: Quest Diagnostics criteria. Collection method: clinical testing. Allele origin: unknown.

Department of Pathology and Laboratory Medicine, Sinai Health System
Classification: Likely benign for Familial cancer of breast. Last evaluated: 2021-03-31. Review status: criteria provided, single submitter. Criteria: ACMG Guidelines, 2015. Collection method: clinical testing. Allele origin: germline. Affected: yes.

GeneDx
Classification: Likely benign. Last evaluated: 2020-02-18. Review status: criteria provided, single submitter. Criteria: GeneDx Variant Classification Process June 2021. Collection method: clinical testing. Allele origin: germline. Affected: yes.

Women's Health and Genetics/Laboratory Corporation of America, LabCorp
Classification: Likely benign. Last evaluated: 2019-08-21. Review status: criteria provided, single submitter. Criteria: LabCorp Variant Classification Summary - May 2015. Collection method: clinical testing. Allele origin: germline.

Color Diagnostics, LLC DBA Color Health
Classification: Likely benign for Hereditary cancer-predisposing syndrome. Last evaluated: 2015-11-24. Review status: criteria provided, single submitter. Criteria: ACMG Guidelines, 2015. Collection method: clinical testing. Allele origin: germline.

Ambry Genetics
Classification: Likely benign for Hereditary cancer-predisposing syndrome. Last evaluated: 2015-02-05. Review status: criteria provided, single submitter. Criteria: Ambry Variant Classification Scheme 2023. Collection method: clinical testing. Allele origin: germline.

Counsyl
Classification: Likely benign for Fanconi anemia complementation group J. Last evaluated: 2016-10-26. Review status: no assertion criteria provided. Collection method: clinical testing. Allele origin: unknown. Not counted in ClinVar's aggregate classification.

Counsyl
Classification: Likely benign for Ovarian cancer. Last evaluated: 2016-10-26. Review status: no assertion criteria provided. Collection method: clinical testing. Allele origin: unknown. Not counted in ClinVar's aggregate classification.